The following is an entry in ClinVar:

NM_032242.4(PLXNA1):c.3325G>A (p.Val1109Met)

Gene: PLXNA1 (plexin A1; plus strand). Cytogenetic location: 3q21.3.
Variant type: single nucleotide variant.
Coding change: c.3325G>A on transcript NM_032242.4 (MANE Select); coding-DNA position 3325, G replaced by A.
Protein change: p.Val1109Met; replaces valine 1109 with methionine.
Molecular consequence: missense variant.
Genome position (GRCh38, 1-based): chr3:127,017,473, G>A. VCF-style: chr3-127017473-G-A. GRCh37 (hg19) VCF-style: chr3-126736316-G-A.
Other names: short protein forms V1109M.
Identifiers: ClinVar variation 2633621 (VCV002633621.1), dbSNP rs1454025121, ClinGen allele CA354391516.

ClinVar aggregate classification (germline): Uncertain significance (1 of 4 stars; one submission).

Conditions:
PLXNA1-related disorder. Also called: PLXNA1-related condition.

Submission:

PreventionGenetics, part of Exact Sciences
Classification: Uncertain significance for PLXNA1-related condition. Last evaluated: 2023-06-23. Review status: criteria provided, single submitter. Criteria: ACMG Guidelines, 2015. Collection method: clinical testing. Allele origin: germline.
Comment: The PLXNA1 c.3325G>A variant is predicted to result in the amino acid substitution p.Val1109Met. To our knowledge, this variant has not been reported in the literature or in a large population database, indicating this variant is rare. At this time, the clinical significance of this variant is uncertain due to the absence of conclusive functional and genetic evidence.